The following is an entry in ClinVar:

NM_032043.3(BRIP1):c.58A>C (p.Lys20Gln)

Gene: BRIP1 (BRCA1 interacting DNA helicase 1; minus strand). Cytogenetic location: 17q23.2.
Variant type: single nucleotide variant.
Coding change: c.58A>C on transcript NM_032043.3 (MANE Select); coding-DNA position 58, A replaced by C.
Protein change: p.Lys20Gln; replaces lysine 20 with glutamine.
Molecular consequence: missense variant.
Genome position (GRCh38, 1-based): chr17:61,861,482, T>G on the plus strand (A>C on the coding strand, the complement: BRIP1 is on the minus strand). VCF-style: chr17-61861482-T-G. GRCh37 (hg19) VCF-style: chr17-59938843-T-G.
Other names: short protein forms K20Q.
Identifiers: ClinVar variation 3261796 (VCV003261796.1).
Genomic context (GRCh38, chr17:61,861,482, plus strand): 5'-AACTTAACTGCTGAAAAATACTTACAGAATTCATCATAGCAAGCTGTGACGGGTAAGCTT[T>G]ATAAGGAAAGTAAATCTTCACCCCACCAATTGTATATTCAGACCACATTGAAGACATAGT-3'
Protein context (NP_114432.2, residues 10-30): IGGVKIYFPY[Lys20Gln]AYPSQLAMMN

ClinVar aggregate classification (germline): Uncertain significance (1 of 4 stars; one submission).

Conditions:
Hereditary cancer-predisposing syndrome. Also called: Hereditary Cancer Syndrome; Tumor predisposition; Hereditary neoplastic syndrome; Neoplastic Syndromes, Hereditary. Identifiers: Orphanet 140162, MedGen C0027672, MeSH D009386, MONDO:0015356.

Submission:

Ambry Genetics
Classification: Uncertain significance for Hereditary cancer-predisposing syndrome. Last evaluated: 2024-03-17. Review status: criteria provided, single submitter. Criteria: Ambry Variant Classification Scheme 2023. Collection method: clinical testing. Allele origin: germline.
Comment: The p.K20Q variant (also known as c.58A>C), located in coding exon 1 of the BRIP1 gene, results from an A to C substitution at nucleotide position 58. The lysine at codon 20 is replaced by glutamine, an amino acid with similar properties. This amino acid position is conserved. In addition, this alteration is predicted to be tolerated by in silico analysis. Based on the available evidence, the clinical significance of this alteration remains unclear.